The following is an entry in ClinVar:

ClinVar aggregate classification (germline): Likely pathogenic (1 of 4 stars; one submission).

Conditions:
Intellectual developmental disorder, autosomal dominant 50, with behavioral abnormalities. Also called: MENTAL RETARDATION, AUTOSOMAL DOMINANT 50; Intellectual disability, autosomal dominant 50. Identifiers: MedGen C4540470, MONDO:0030916, OMIM 617787.

Submission:

Institute of Immunology and Genetics Kaiserslautern
Classification: Likely pathogenic for Intellectual developmental disorder, autosomal dominant 50, with behavioral abnormalities. Last evaluated: 2024-05-02. Review status: criteria provided, single submitter. Criteria: ACMG Guidelines, 2015. Collection method: clinical testing. Allele origin: de novo. Affected: yes.
Comment: ACMG Criteria: PM2, PP3, PS2; Variant was found in heterozygous state

NM_057175.5(NAA15):c.2126A>C (p.His709Pro)

Gene: NAA15 (N-alpha-acetyltransferase 15, NatA auxiliary subunit; plus strand). Cytogenetic location: 4q31.1.
Variant type: single nucleotide variant.
Coding change: c.2126A>C on transcript NM_057175.5 (MANE Select); coding-DNA position 2126, A replaced by C.
Protein change: p.His709Pro; replaces histidine 709 with proline.
Molecular consequence: missense variant.
Genome position (GRCh38, 1-based): chr4:139,378,825, A>C. VCF-style: chr4-139378825-A-C. GRCh37 (hg19) VCF-style: chr4-140299979-A-C.
Other names: c.2126A>C, p.His709Pro (NM_001410842.1); short protein forms H709P.
Identifiers: ClinVar variation 3251942 (VCV003251942.1), dbSNP rs2530464820.